The following is an entry in ClinVar:

ClinVar aggregate classification (germline): Uncertain significance (1 of 4 stars; one submission).

Conditions:
Long QT syndrome (LQTS). Identifiers: MedGen C0023976, MeSH D008133, MONDO:0002442. Disease mechanism: loss of function. Inheritance: Various modes of inheritance.

gnomAD v4.1: 2 of 1,614,072 alleles (0.00012%); highest among the groups gnomAD compares: Non-Finnish European, 0.00017%; no homozygotes.

Submission:

Labcorp Genetics (formerly Invitae), Labcorp
Classification: Uncertain significance for Long QT syndrome. Last evaluated: 2025-01-26. Review status: criteria provided, single submitter. Criteria: Invitae Variant Classification Sherloc (09022015). Collection method: clinical testing. Allele origin: germline.
Comment: This sequence change replaces valine, which is neutral and non-polar, with leucine, which is neutral and non-polar, at codon 2550 of the ANK2 protein (p.Val2550Leu). This variant is not present in population databases (gnomAD no frequency). This variant has not been reported in the literature in individuals affected with ANK2-related conditions. An algorithm developed to predict the effect of missense changes on protein structure and function (PolyPhen-2) suggests that this variant is likely to be disruptive. In summary, the available evidence is currently insufficient to determine the role of this variant in disease. Therefore, it has been classified as a Variant of Uncertain Significance.

NM_001148.6(ANK2):c.7648G>C (p.Val2550Leu)

Genes: ANK2 (ankyrin 2; plus strand), LOC126807137 (CDK7 strongly-dependent group 2 enhancer GRCh37_chr4:114276560-114277759; plus strand). Cytogenetic location: 4q26.
Variant type: single nucleotide variant.
Coding change: c.7648G>C on transcript NM_001148.6 (MANE Select); coding-DNA position 7648, G replaced by C.
Protein change: p.Val2550Leu; replaces valine 2550 with leucine.
Molecular consequence: missense variant. On other transcripts: intron variant (68).
Genome position (GRCh38, 1-based): chr4:113,356,266, G>C. VCF-style: chr4-113356266-G-C. GRCh37 (hg19) VCF-style: chr4-114277422-G-C.
Other names: c.4364-4557G>C (NM_001354255.2, NM_001386143.1, NM_001354243.2); c.4265-4557G>C (NM_001354262.2, NM_001354275.2, NM_001354245.2); c.4202-4557G>C (NM_001354253.2, NM_001354270.2); c.4241-4557G>C (NM_001354276.2, NM_001354249.2, NM_001354266.2 and 2 more transcripts); c.4208-4557G>C (NM_001386146.1, NM_001386150.1, NM_001386149.1 and 1 more transcripts); c.4166-4557G>C (NM_001354257.2, NM_001386156.1); c.4193-4557G>C (NM_001354274.2, NM_001386154.1); c.4142-4557G>C (NM_001386151.1, NM_001354260.2, NM_001354271.2); and 35 more; short protein forms V2472L, V2589L, V1350L, V2550L, V2597L.
Identifiers: ClinVar variation 3649020 (VCV003649020.2).